The following is an entry in ClinVar:

ClinVar aggregate classification (germline): Uncertain significance (1 of 4 stars; one submission).

Conditions:
Aortic valve disease 2 (AOVD2). Identifiers: MedGen C3542024, MONDO:0013902, OMIM 614823.

Submission:

Labcorp Genetics (formerly Invitae), Labcorp
Classification: Uncertain significance for Aortic valve disease 2. Last evaluated: 2022-06-14. Review status: criteria provided, single submitter. Criteria: Invitae Variant Classification Sherloc (09022015). Collection method: clinical testing. Allele origin: germline.
Comment: In summary, the available evidence is currently insufficient to determine the role of this variant in disease. Therefore, it has been classified as a Variant of Uncertain Significance. This variant has not been reported in the literature in individuals affected with SMAD6-related conditions. Information on the frequency of this variant in the gnomAD database is not available, as this variant may be reported differently in the database. This sequence change creates a premature translational stop signal (p.Cys205*) in the SMAD6 gene. It is expected to result in an absent or disrupted protein product. However, the current clinical and genetic evidence is not sufficient to establish whether loss-of-function variants in SMAD6 cause disease.

NM_005585.5(SMAD6):c.614_615delinsAA (p.Cys205Ter)

Gene: SMAD6 (SMAD family member 6; plus strand). Cytogenetic location: 15q22.31.
Variant type: Indel.
Coding change: c.614_615delinsAA on transcript NM_005585.5 (MANE Select); coding-DNA positions 614 to 615, GC replaced by AA.
Protein change: p.Cys205Ter; replaces cysteine 205 with a stop codon.
Molecular consequence: nonsense. On other transcripts: non-coding transcript variant (1).
Genome position (GRCh38, 1-based): chr15:66,703,872-66,703,873, GC replaced by AA. VCF-style: chr15-66703872-GC-AA. GRCh37 (hg19) VCF-style: chr15-66996210-GC-AA.
Other names: short protein forms C205*.
Identifiers: ClinVar variation 2006536 (VCV002006536.4), dbSNP rs2545312504, ClinGen allele CA2580089933.